The following is an entry in ClinVar:

NM_001358921.2(COQ2):c.543-2A>G

Gene: COQ2 (coenzyme Q2, polyprenyltransferase; minus strand). Cytogenetic location: 4q21.23.
Variant type: single nucleotide variant.
Coding change: c.543-2A>G on transcript NM_001358921.2 (MANE Select); the canonical splice acceptor site of the intron before coding-DNA position 543, A replaced by G.
Molecular consequence: splice acceptor variant.
Genome position (GRCh38, 1-based): chr4:83,272,174, T>C on the plus strand (A>G on the coding strand, the complement: COQ2 is on the minus strand). VCF-style: chr4-83272174-T-C. GRCh37 (hg19) VCF-style: chr4-84193327-T-C.
Other names: c.693-2A>G (NM_015697.9).
Identifiers: ClinVar variation 2876040 (VCV002876040.3), dbSNP rs769463299, ClinGen allele CA2988565.

ClinVar aggregate classification (germline): Likely pathogenic (1 of 4 stars; one submission).

Allele frequency attached by ClinVar (database versions not stated): gnomAD exomes below 0.00001; ExAC 0.00001.
gnomAD v4.1: 2 of 1,598,658 alleles (0.00013%); highest among the groups gnomAD compares: East Asian, 0.0022%; no homozygotes.

Submission:

Labcorp Genetics (formerly Invitae), Labcorp
Classification: Likely pathogenic. Last evaluated: 2025-03-07. Review status: criteria provided, single submitter. Criteria: Invitae Variant Classification Sherloc (09022015). Collection method: clinical testing. Allele origin: germline.
Comment: This sequence change affects an acceptor splice site in intron 3 of the COQ2 gene. It is expected to disrupt RNA splicing. Variants that disrupt the donor or acceptor splice site typically lead to a loss of protein function (PMID: 16199547), and loss-of-function variants in COQ2 are known to be pathogenic (PMID: 16400613, 17374725). This variant is present in population databases (rs769463299, gnomAD 0.001%). This variant has not been reported in the literature in individuals affected with COQ2-related conditions. ClinVar contains an entry for this variant (Variation ID: 2876040). Algorithms developed to predict the effect of sequence changes on RNA splicing suggest that this variant may disrupt the consensus splice site. In summary, the currently available evidence indicates that the variant is pathogenic, but additional data are needed to prove that conclusively. Therefore, this variant has been classified as Likely Pathogenic.

Literature cited by the submitters: PubMed 16199547; PubMed 16400613; PubMed 17374725.